The following is an entry in ClinVar:

ClinVar aggregate classification (germline): Conflicting classifications of pathogenicity. Review status: criteria provided, conflicting classifications (1 of 4 stars). 2 submissions from 2 submitters: Uncertain significance (1); Likely benign (1). Last evaluated 2025-08-09.

Conditions:
CSF1R-related disorder. Also called: CSF1R-related condition. Identifiers: MedGen CN379780, MONDO:0100632.

Allele frequency attached by ClinVar (database versions not stated): ExAC 0.00002; TOPMed 0.00005; gnomAD 0.00006; ESP Exome Variant Server 0.00008; gnomAD exomes 0.00008.
gnomAD v4.1: 126 of 1,613,902 alleles (0.0078%); highest among the groups gnomAD compares: Non-Finnish European, 0.0089%; no homozygotes.

Submissions (2):

Labcorp Genetics (formerly Invitae), Labcorp
Classification: Likely benign. Last evaluated: 2025-08-09. Review status: criteria provided, single submitter. Criteria: Invitae Variant Classification Sherloc (09022015). Collection method: clinical testing. Allele origin: germline.

PreventionGenetics, part of Exact Sciences
Classification: Uncertain significance for CSF1R-related condition. Last evaluated: 2022-09-15. Review status: criteria provided, single submitter. Criteria: ACMG Guidelines, 2015. Collection method: clinical testing. Allele origin: germline.
Comment: The CSF1R c.2257C>T variant is predicted to result in the amino acid substitution p.Arg753Trp. To our knowledge, this variant has not been reported in the literature or in the ClinVar database. This variant is reported in 0.0057% of alleles in individuals of Latino descent in gnomAD, which is a higher allele frequency than expected for a pathogenic variant in this gene. Although we suspect that this variant may be benign, at this time, the clinical significance of this variant is uncertain due to the absence of conclusive functional and genetic evidence.

NM_001288705.3(CSF1R):c.2257C>T (p.Arg753Trp)

Gene: CSF1R (colony stimulating factor 1 receptor; minus strand). Cytogenetic location: 5q32.
Variant type: single nucleotide variant.
Coding change: c.2257C>T on transcript NM_001288705.3 (MANE Select); coding-DNA position 2257, C replaced by T.
Protein change: p.Arg753Trp; replaces arginine 753 with tryptophan.
Molecular consequence: missense variant. On other transcripts: non-coding transcript variant (2).
Genome position (GRCh38, 1-based): chr5:150,057,349, G>A on the plus strand (C>T on the coding strand, the complement: CSF1R is on the minus strand). VCF-style: chr5-150057349-G-A. GRCh37 (hg19) VCF-style: chr5-149436912-G-A.
Other names: c.2257C>T (NM_005211.3); c.2257C>T, p.Arg753Trp (NM_001349736.2, NM_001375320.1, NM_005211.4); c.1813C>T, p.Arg605Trp (NM_001375321.1); short protein forms R753W, R605W.
Identifiers: ClinVar variation 2051119 (VCV002051119.5), dbSNP rs372068592, ClinGen allele CA3506485.